The following is an entry in ClinVar:

NM_201596.3(CACNB2):c.1585C>G (p.Gln529Glu)

Gene: CACNB2 (calcium voltage-gated channel auxiliary subunit beta 2; plus strand). Cytogenetic location: 10p12.31.
Variant type: single nucleotide variant.
Coding change: c.1585C>G on transcript NM_201596.3 (MANE Select); coding-DNA position 1585, C replaced by G.
Protein change: p.Gln529Glu; replaces glutamine 529 with glutamic acid.
Molecular consequence: missense variant.
Genome position (GRCh38, 1-based): chr10:18,539,326, C>G. VCF-style: chr10-18539326-C-G. GRCh37 (hg19) VCF-style: chr10-18828255-C-G.
Other names: c.1420C>G, p.Gln474Glu (NM_000724.4); c.1387C>G, p.Gln463Glu (NM_001167945.2); c.1306C>G, p.Gln436Glu (NM_001330060.2); c.1327C>G, p.Gln443Glu (NM_001410882.1); c.1441C>G, p.Gln481Glu (NM_201570.3); c.1501C>G, p.Gln501Glu (NM_201571.4); c.1429C>G, p.Gln477Glu (NM_201572.4); c.1423C>G, p.Gln475Glu (NM_201590.3); and 2 more; short protein forms Q436E, Q443E, Q463E, Q474E, Q475E, Q477E, Q481E, Q491E.
Identifiers: ClinVar variation 3029473 (VCV003029473.2), dbSNP rs2494909383, ClinGen allele CA376071396.

ClinVar aggregate classification (germline): Uncertain significance (0 of 4 stars; one submission).

Conditions:
CACNB2-related disorder. Also called: CACNB2-related condition.

Submission:

PreventionGenetics, part of Exact Sciences
Classification: Uncertain significance for CACNB2-related condition. Last evaluated: 2024-02-07. Review status: no assertion criteria provided. Collection method: clinical testing. Allele origin: germline.
Comment: The CACNB2 c.1423C>G variant is predicted to result in the amino acid substitution p.Gln475Glu. To our knowledge, this variant has not been reported in the literature or in a large population database, indicating this variant is rare. At this time, the clinical significance of this variant is uncertain due to the absence of conclusive functional and genetic evidence.